The following is an entry in ClinVar:

NM_005159.5(ACTC1):c.884T>A (p.Leu295Gln)

Genes: GJD2-DT (GJD2 divergent transcript; plus strand), ACTC1 (actin alpha cardiac muscle 1; minus strand). Cytogenetic location: 15q14.
Variant type: single nucleotide variant.
Coding change: c.884T>A on transcript NM_005159.5 (MANE Select); coding-DNA position 884, T replaced by A.
Protein change: p.Leu295Gln; replaces leucine 295 with glutamine.
Molecular consequence: missense variant.
Genome position (GRCh38, 1-based): chr15:34,791,220, A>T on the plus strand (T>A on the coding strand, the complement: ACTC1 is on the minus strand). VCF-style: chr15-34791220-A-T. GRCh37 (hg19) VCF-style: chr15-35083421-A-T.
Other names: short protein forms L295Q.
Identifiers: ClinVar variation 952949 (VCV000952949.9), dbSNP rs1891697323, ClinGen allele CA391629498.

ClinVar aggregate classification (germline): Uncertain significance (1 of 4 stars; one submission).

Conditions:
Atrial septal defect 5 (ASD5). Identifiers: Orphanet 1478, MedGen C2748552, MONDO:0013011, OMIM 612794.
Hypertrophic cardiomyopathy 11. Also called: ACTC1-Related Familial Hypertrophic Cardiomyopathy. Identifiers: MedGen C2677506, MONDO:0012799, OMIM 612098.
Dilated cardiomyopathy 1R (CMD1R). Identifiers: Orphanet 154, Orphanet 54260, MedGen C3150681, MONDO:0013261, OMIM 613424.

Submission:

Labcorp Genetics (formerly Invitae), Labcorp
Classification: Uncertain significance for Dilated cardiomyopathy 1R; Hypertrophic cardiomyopathy 11; Atrial septal defect 5. Last evaluated: 2019-04-26. Review status: criteria provided, single submitter. Criteria: Invitae Variant Classification Sherloc (09022015). Collection method: clinical testing. Allele origin: germline.
Comment: This variant is not present in population databases (ExAC no frequency). In summary, the available evidence is currently insufficient to determine the role of this variant in disease. Therefore, it has been classified as a Variant of Uncertain Significance. Algorithms developed to predict the effect of missense changes on protein structure and function (SIFT, PolyPhen-2, Align-GVGD) all suggest that this variant is likely to be disruptive, but these predictions have not been confirmed by published functional studies and their clinical significance is uncertain. This variant has not been reported in the literature in individuals with ACTC1-related conditions. This sequence change replaces leucine with glutamine at codon 295 of the ACTC1 protein (p.Leu295Gln). The leucine residue is highly conserved and there is a moderate physicochemical difference between leucine and glutamine.